The following is an entry in ClinVar:

NM_000059.4(BRCA2):c.1999C>G (p.Leu667Val)

Gene: BRCA2 (BRCA2 DNA repair associated; plus strand). Cytogenetic location: 13q13.1.
Variant type: single nucleotide variant.
Coding change: c.1999C>G on transcript NM_000059.4 (MANE Select); coding-DNA position 1999, C replaced by G.
Protein change: p.Leu667Val; replaces leucine 667 with valine.
Molecular consequence: missense variant. On other transcripts: non-coding transcript variant (1), intron variant (2).
Genome position (GRCh38, 1-based): chr13:32,336,354, C>G. VCF-style: chr13-32336354-C-G. GRCh37 (hg19) VCF-style: chr13-32910491-C-G.
Other names: c.1999C>G, p.Leu667Val (NM_001406719.1, NM_001406720.1); c.1909+2967C>G (NM_001406721.1); c.424+5324C>G (NM_001406722.1); short protein forms L667V.
Identifiers: ClinVar variation 3071911 (VCV003071911.2), dbSNP rs2137482467, ClinGen allele CA387768693.

ClinVar aggregate classification (germline): Uncertain significance. Review status: criteria provided, multiple submitters, no conflicts (2 of 4 stars). 2 submissions from 2 submitters: Uncertain significance (2). Last evaluated 2026-07-27.

Conditions:
Breast-ovarian cancer, familial, susceptibility to, 2 (BROVCA2). Also called: BRCA2 Hereditary Breast and Ovarian Cancer. Identifiers: Orphanet 145, MedGen C2675520, MONDO:0012933, OMIM 612555. Disease mechanism: loss of function.
Hereditary cancer-predisposing syndrome. Also called: Tumor predisposition; Hereditary Cancer Syndrome; Neoplastic Syndromes, Hereditary; Hereditary neoplastic syndrome. Identifiers: Orphanet 140162, MedGen C0027672, MeSH D009386, MONDO:0015356.

Submissions (2):

Ambry Genetics
Classification: Uncertain significance for Hereditary cancer-predisposing syndrome. Last evaluated: 2026-07-27. Review status: criteria provided, single submitter. Criteria: Ambry Variant Classification Scheme 2023. Collection method: clinical testing. Allele origin: germline.
Comment: The p.L667V variant (also known as c.1999C>G), located in coding exon 10 of the BRCA2 gene, results from a C to G substitution at nucleotide position 1999. The leucine at codon 667 is replaced by valine, an amino acid with highly similar properties. This amino acid position is conserved. In addition, this alteration is predicted to be tolerated by in silico analysis. Based on the available evidence, the clinical significance of this variant remains unclear.

All of Us Research Program, National Institutes of Health
Classification: Uncertain significance for Breast-ovarian cancer, familial, susceptibility to, 2. Last evaluated: 2023-06-26. Review status: criteria provided, single submitter. Criteria: ACMG Guidelines, 2015. Collection method: clinical testing. Allele origin: germline. Inheritance: Autosomal dominant inheritance. Observed: 1 variant allele, 1 heterozygote.
Comment: This missense variant replaces leucine with valine at codon 667 of the BRCA2 protein. Computational prediction suggests that this variant may not impact protein structure and function (internally defined REVEL score threshold <= 0.5, PMID: 27666373). To our knowledge, functional studies have not been reported for this variant. This variant has not been reported in individuals affected with BRCA2-related disorders in the literature. This variant has not been identified in the general population by the Genome Aggregation Database (gnomAD). The available evidence is insufficient to determine the role of this variant in disease conclusively. Therefore, this variant is classified as a Variant of Uncertain Significance.

This study involves interpretation of variants in research participants for the purpose of population health screening. Participant phenotype was not available at the time of variant classification. Additional details can be found in publication PMID: 35346344, PMCID: PMC8962531